The following is an entry in ClinVar:

ClinVar aggregate classification (germline): Uncertain significance (1 of 4 stars; one submission).

Conditions:
Cardiovascular phenotype. Identifiers: MedGen CN230736.

Allele frequency attached by ClinVar (database versions not stated): gnomAD 0.00001; ESP Exome Variant Server 0.00008.
gnomAD v4.1: 3 of 1,612,088 alleles (0.00019%); highest among the groups gnomAD compares: African/African-American, 0.004%; no homozygotes.

Submission:

Ambry Genetics
Classification: Uncertain significance for Cardiovascular phenotype. Last evaluated: 2021-02-05. Review status: criteria provided, single submitter. Criteria: Ambry Variant Classification Scheme 2023. Collection method: clinical testing. Allele origin: germline.
Comment: The p.G660V variant (also known as c.1979G>T), located in coding exon 8 of the AKAP9 gene, results from a G to T substitution at nucleotide position 1979. The glycine at codon 660 is replaced by valine, an amino acid with dissimilar properties. This amino acid position is not well conserved in available vertebrate species. In addition, this alteration is predicted to be tolerated by in silico analysis. Since supporting evidence is limited at this time, the clinical significance of this alteration remains unclear.

NM_005751.5(AKAP9):c.1979G>T (p.Gly660Val)

Gene: AKAP9 (A-kinase anchoring protein 9; plus strand). Cytogenetic location: 7q21.2.
Variant type: single nucleotide variant.
Coding change: c.1979G>T on transcript NM_005751.5 (MANE Select); coding-DNA position 1979, G replaced by T.
Protein change: p.Gly660Val; replaces glycine 660 with valine.
Molecular consequence: missense variant.
Genome position (GRCh38, 1-based): chr7:92,001,896, G>T. VCF-style: chr7-92001896-G-T. GRCh37 (hg19) VCF-style: chr7-91631210-G-T.
Other names: c.1979G>T, p.Gly660Val (NM_147185.3); short protein forms G660V.
Identifiers: ClinVar variation 1783765 (VCV001783765.2), dbSNP rs376021695, ClinGen allele CA4336080.